The following is an entry in ClinVar:

NM_012193.4(FZD4):c.473G>A (p.Cys158Tyr)

Genes: FZD4 (frizzled class receptor 4; minus strand), PRSS23 (serine protease 23; plus strand). Cytogenetic location: 11q14.2.
Variant type: single nucleotide variant.
Coding change: c.473G>A on transcript NM_012193.4 (MANE Select); coding-DNA position 473, G replaced by A.
Protein change: p.Cys158Tyr; replaces cysteine 158 with tyrosine.
Molecular consequence: missense variant. On other transcripts: non-coding transcript variant (2).
Genome position (GRCh38, 1-based): chr11:86,952,283, C>T on the plus strand (G>A on the coding strand, the complement: FZD4 is on the minus strand). VCF-style: chr11-86952283-C-T. GRCh37 (hg19) VCF-style: chr11-86663325-C-T.
Other names: short protein forms C158Y.
Identifiers: ClinVar variation 1495727 (VCV001495727.8), dbSNP rs1949300933, ClinGen allele CA382016152.

ClinVar aggregate classification (germline): Uncertain significance (1 of 4 stars; one submission).

Submission:

Labcorp Genetics (formerly Invitae), Labcorp
Classification: Uncertain significance. Last evaluated: 2022-07-12. Review status: criteria provided, single submitter. Criteria: Invitae Variant Classification Sherloc (09022015). Collection method: clinical testing. Allele origin: germline.
Comment: ClinVar contains an entry for this variant (Variation ID: 1495727). This sequence change replaces cysteine, which is neutral and slightly polar, with tyrosine, which is neutral and polar, at codon 158 of the FZD4 protein (p.Cys158Tyr). This variant is not present in population databases (gnomAD no frequency). This variant has not been reported in the literature in individuals affected with FZD4-related conditions. Algorithms developed to predict the effect of missense changes on protein structure and function (SIFT, PolyPhen-2, Align-GVGD) all suggest that this variant is likely to be disruptive. In summary, the available evidence is currently insufficient to determine the role of this variant in disease. Therefore, it has been classified as a Variant of Uncertain Significance.